The following is an entry in ClinVar:

NM_000535.7(PMS2):c.1305C>G (p.His435Gln)

Gene: PMS2 (PMS1 homolog 2, mismatch repair system component; minus strand). Cytogenetic location: 7p22.1.
Variant type: single nucleotide variant.
Coding change: c.1305C>G on transcript NM_000535.7 (MANE Select); coding-DNA position 1305, C replaced by G.
Protein change: p.His435Gln; replaces histidine 435 with glutamine.
Molecular consequence: missense variant. On other transcripts: non-coding transcript variant (1), intron variant (1).
Genome position (GRCh38, 1-based): chr7:5,987,460, G>C on the plus strand (C>G on the coding strand, the complement: PMS2 is on the minus strand). VCF-style: chr7-5987460-G-C. GRCh37 (hg19) VCF-style: chr7-6027091-G-C.
Other names: c.900C>G, p.His300Gln (NM_001018040.1, NM_001322003.2, NM_001322004.2 and 17 more transcripts); c.1149C>G, p.His383Gln (NM_001322006.2, NM_001406870.1); c.987C>G, p.His329Gln (NM_001322007.2, NM_001322008.2, NM_001406876.1 and 2 more transcripts); c.744C>G, p.His248Gln (NM_001322010.2, NM_001406906.1, NM_001406907.1); c.372C>G, p.His124Gln (NM_001322011.2, NM_001322012.2); c.732C>G, p.His244Gln (NM_001322013.2, NM_001406909.1); c.1305C>G, p.His435Gln (NM_001322014.2, NM_001406871.1, NM_001406872.1); c.996C>G, p.His332Gln (NM_001322015.2, NM_001406875.1, NM_001406877.1 and 5 more transcripts); and 13 more; short protein forms H178Q, H323Q, H379Q, H443Q, H124Q, H248Q, H277Q, H280Q.
Identifiers: ClinVar variation 2614813 (VCV002614813.6), dbSNP rs763954903, ClinGen allele CA366742372.
Genomic context (GRCh38, chr7:5,987,460, plus strand): 5'-AGACAGCATACCCCTTTTCTGTCCTAGAGGGCTCCTTCTTGGTTCTGGAGTCTTTGGGCT[G>C]TGAGGCTTGTTCTCTGTTGTGTGACGAAGAGAAAAGGCCTCTCGCAGTCTGGAAATGGAC-3'
Protein context (NP_000526.2, residues 425-445): SLRHTTENKP[His435Gln]SPKTPEPRRS

ClinVar aggregate classification (germline): Conflicting classifications of pathogenicity. Review status: criteria provided, conflicting classifications (1 of 4 stars). 2 submissions from 2 submitters: Uncertain significance (1); Likely benign (1). Last evaluated 2024-10-07.

Conditions:
Hereditary cancer-predisposing syndrome. Also called: Tumor predisposition; Hereditary Cancer Syndrome; Hereditary neoplastic syndrome; Neoplastic Syndromes, Hereditary. Identifiers: Orphanet 140162, MedGen C0027672, MeSH D009386, MONDO:0015356.
Hereditary nonpolyposis colorectal neoplasms. Identifiers: MedGen C0009405, MeSH D003123.

gnomAD v4.1: 1 of 1,614,020 alleles (0.000062%); highest among the groups gnomAD compares: East Asian, 0.0022%; no homozygotes.

Submissions (2):

Labcorp Genetics (formerly Invitae), Labcorp
Classification: Uncertain significance for Hereditary nonpolyposis colorectal neoplasms. Last evaluated: 2024-10-07. Review status: criteria provided, single submitter. Criteria: Invitae Variant Classification Sherloc (09022015). Collection method: clinical testing. Allele origin: germline.
Comment: This sequence change replaces histidine, which is basic and polar, with glutamine, which is neutral and polar, at codon 435 of the PMS2 protein (p.His435Gln). This variant is present in population databases (no rsID available, gnomAD 0.06%). This variant has not been reported in the literature in individuals affected with PMS2-related conditions. ClinVar contains an entry for this variant (Variation ID: 2614813). Invitae Evidence Modeling incorporating data from in vitro experimental studies (internal data) indicates that this missense variant is not expected to disrupt PMS2 function with a negative predictive value of 95%. In summary, the available evidence is currently insufficient to determine the role of this variant in disease. Therefore, it has been classified as a Variant of Uncertain Significance.

Ambry Genetics
Classification: Likely benign for Hereditary cancer-predisposing syndrome. Last evaluated: 2024-05-19. Review status: criteria provided, single submitter. Criteria: Ambry Variant Classification Scheme 2023. Collection method: clinical testing. Allele origin: germline.